The following is an entry in ClinVar:

ClinVar aggregate classification (germline): Uncertain significance (1 of 4 stars; one submission).

Conditions:
NSD1-related disorder. Also called: NSD1-related condition.

Allele frequency attached by ClinVar (database versions not stated): gnomAD exomes below 0.00001.

Submission:

PreventionGenetics, part of Exact Sciences
Classification: Uncertain significance for NSD1-related condition. Last evaluated: 2023-03-14. Review status: criteria provided, single submitter. Criteria: ACMG Guidelines, 2015. Collection method: clinical testing. Allele origin: germline.
Comment: The NSD1 c.4508T>G variant is predicted to result in the amino acid substitution p.Met1503Arg. To our knowledge, this variant has not been reported in the literature or in a large population database, indicating this variant is rare. At this time, the clinical significance of this variant is uncertain due to the absence of conclusive functional and genetic evidence.

NM_022455.5(NSD1):c.4508T>G (p.Met1503Arg)

Gene: NSD1 (nuclear receptor binding SET domain protein 1; plus strand). Cytogenetic location: 5q35.3.
Variant type: single nucleotide variant.
Coding change: c.4508T>G on transcript NM_022455.5 (MANE Select); coding-DNA position 4508, T replaced by G.
Protein change: p.Met1503Arg; replaces methionine 1503 with arginine.
Molecular consequence: missense variant.
Genome position (GRCh38, 1-based): chr5:177,248,191, T>G. VCF-style: chr5-177248191-T-G. GRCh37 (hg19) VCF-style: chr5-176675192-T-G.
Other names: c.3635T>G, p.Met1212Arg (NM_001365684.2, NM_001409306.1, NM_001409307.1 and 3 more transcripts); c.4508T>G, p.Met1503Arg (NM_001409301.1, NM_001409302.1, NM_001409303.1); c.4088T>G, p.Met1363Arg (NM_001409304.1); c.3755T>G, p.Met1252Arg (NM_001409305.1); short protein forms M1212R, M1252R, M1363R, M1503R.
Identifiers: ClinVar variation 2633483 (VCV002633483.1), dbSNP rs2480629134, ClinGen allele CA362349428.